The following is an entry in ClinVar:

NM_017882.3(CLN6):c.864G>T (p.Lys288Asn)

Gene: CLN6 (CLN6 transmembrane ER protein; minus strand). Cytogenetic location: 15q23.
Variant type: single nucleotide variant.
Coding change: c.864G>T on transcript NM_017882.3 (MANE Select); coding-DNA position 864, G replaced by T.
Protein change: p.Lys288Asn; replaces lysine 288 with asparagine.
Molecular consequence: missense variant.
Genome position (GRCh38, 1-based): chr15:68,208,212, C>A on the plus strand (G>T on the coding strand, the complement: CLN6 is on the minus strand). VCF-style: chr15-68208212-C-A. GRCh37 (hg19) VCF-style: chr15-68500550-C-A.
Other names: c.864G>T (NM_017882.2); c.960G>T, p.Lys320Asn (NM_001411068.1); short protein forms K320N, K288N.
Identifiers: ClinVar variation 2149648 (VCV002149648.2), dbSNP rs1370379616, ClinGen allele CA392971713.

ClinVar aggregate classification (germline): Uncertain significance. Review status: criteria provided, multiple submitters, no conflicts (2 of 4 stars). 2 submissions from 2 submitters: Uncertain significance (2). Last evaluated 2025-12-11.

Conditions:
Neuronal ceroid lipofuscinosis. Also called: Neuronal Ceroid Lipofuscinoses. Identifiers: Orphanet 216, Orphanet 79263, MedGen C0027877, MONDO:0016295. Disease mechanism: loss of function.
Inborn genetic diseases. Identifiers: MedGen C0950123, MeSH D030342.

Allele frequency attached by ClinVar (database versions not stated): gnomAD exomes below 0.00001; gnomAD 0.00001.
gnomAD v4.1: 4 of 1,613,388 alleles (0.00025%); highest among the groups gnomAD compares: African/African-American, 0.0027%; no homozygotes.

Submissions (2):

Ambry Genetics
Classification: Uncertain significance for Inborn genetic diseases. Last evaluated: 2025-12-11. Review status: criteria provided, single submitter. Criteria: Ambry Variant Classification Scheme 2023. Collection method: clinical testing. Allele origin: germline.

Labcorp Genetics (formerly Invitae), Labcorp
Classification: Uncertain significance for Neuronal ceroid lipofuscinosis. Last evaluated: 2022-07-11. Review status: criteria provided, single submitter. Criteria: Invitae Variant Classification Sherloc (09022015). Collection method: clinical testing. Allele origin: germline.
Comment: This sequence change replaces lysine, which is basic and polar, with asparagine, which is neutral and polar, at codon 288 of the CLN6 protein (p.Lys288Asn). This variant is present in population databases (no rsID available, gnomAD 0.003%). This variant has not been reported in the literature in individuals affected with CLN6-related conditions. Algorithms developed to predict the effect of missense changes on protein structure and function are either unavailable or do not agree on the potential impact of this missense change (SIFT: "Deleterious"; PolyPhen-2: "Probably Damaging"; Align-GVGD: "Class C0"). In summary, the available evidence is currently insufficient to determine the role of this variant in disease. Therefore, it has been classified as a Variant of Uncertain Significance.